The following is an entry in ClinVar:

NM_000122.2(ERCC3):c.694A>G (p.Thr232Ala)

Gene: ERCC3 (ERCC excision repair 3, TFIIH core complex helicase subunit; minus strand). Cytogenetic location: 2q14.3.
Variant type: single nucleotide variant.
Coding change: c.694A>G on transcript NM_000122.2 (MANE Select); coding-DNA position 694, A replaced by G.
Protein change: p.Thr232Ala; replaces threonine 232 with alanine.
Molecular consequence: missense variant.
Genome position (GRCh38, 1-based): chr2:127,289,465, T>C on the plus strand (A>G on the coding strand, the complement: ERCC3 is on the minus strand). VCF-style: chr2-127289465-T-C. GRCh37 (hg19) VCF-style: chr2-128047041-T-C.
Other names: c.502A>G, p.Thr168Ala (NM_001303416.2, NM_001303418.2); short protein forms T232A, T168A.
Identifiers: ClinVar variation 1352226 (VCV001352226.7), dbSNP rs201383161, ClinGen allele CA1858460.

ClinVar aggregate classification (germline): Uncertain significance. Review status: criteria provided, multiple submitters, no conflicts (2 of 4 stars). 4 submissions from 4 submitters: Uncertain significance (4). Last evaluated 2022-12-03.

Conditions:
Inborn genetic diseases. Identifiers: MedGen C0950123, MeSH D030342.
Xeroderma pigmentosum (XP). Identifiers: Orphanet 910, MedGen C0043346, MONDO:0019600.

Allele frequency attached by ClinVar (database versions not stated): gnomAD 0.00006 and 0.00007; TOPMed 0.00008; gnomAD exomes 0.00012 and 0.00022; ExAC 0.00015.
gnomAD v4.1: 319 of 1,612,718 alleles (0.02%); highest among the groups gnomAD compares: Non-Finnish European, 0.026%; no homozygotes.

Submissions (4):

GeneDx
Classification: Uncertain significance. Last evaluated: 2022-12-03. Review status: criteria provided, single submitter. Criteria: GeneDx Variant Classification Process June 2021. Collection method: clinical testing. Allele origin: germline. Affected: yes.
Comment: In silico analysis supports that this missense variant does not alter protein structure/function; Observed in an individual with lung cancer (Matakidou et al., 2006); This variant is associated with the following publications: (PMID: 34426522, 25910212, 25795128, 16550608)

Labcorp Genetics (formerly Invitae), Labcorp
Classification: Uncertain significance. Last evaluated: 2022-07-25. Review status: criteria provided, single submitter. Criteria: Invitae Variant Classification Sherloc (09022015). Collection method: clinical testing. Allele origin: germline.
Comment: This sequence change replaces threonine, which is neutral and polar, with alanine, which is neutral and non-polar, at codon 232 of the ERCC3 protein (p.Thr232Ala). This variant is present in population databases (rs201383161, gnomAD 0.02%). This variant has not been reported in the literature in individuals affected with ERCC3-related conditions. ClinVar contains an entry for this variant (Variation ID: 1352226). Algorithms developed to predict the effect of missense changes on protein structure and function (SIFT, PolyPhen-2, Align-GVGD) all suggest that this variant is likely to be tolerated. In summary, the available evidence is currently insufficient to determine the role of this variant in disease. Therefore, it has been classified as a Variant of Uncertain Significance.

Sema4
Classification: Uncertain significance for Xeroderma pigmentosum. Last evaluated: 2021-09-23. Review status: criteria provided, single submitter. Criteria: Sema4 Curation Guidelines. Collection method: curation. Allele origin: germline.
Comment: The ERCC3 c.694A>G (p.T232A) variant has been reported in at least one individual with early-onset lung cancer (PMID: 16550608). It was observed in 30/129184 chromosomes of the Non-Finnish European subpopulation in the large and broad cohorts of the Genome Aggregation Database (PMID: 32461654). The variant has not been reported in ClinVar. A single study using in vitro assays suggests that this variant may not impact protein function (PMID: 25910212). The evidence is insufficient to meet ACMG/AMP criteria for classifying the variant as benign or pathogenic. Thus, the clinical significance of this variant is currently uncertain.

Ambry Genetics
Classification: Uncertain significance for Inborn genetic diseases. Last evaluated: 2021-06-18. Review status: criteria provided, single submitter. Criteria: Ambry Variant Classification Scheme 2023. Collection method: clinical testing. Allele origin: germline.

Literature cited by the submitters: PubMed 16550608 (cited by Sema4); PubMed 25910212 (cited by Sema4).